The following is an entry in ClinVar:

NM_001127178.3(PIGG):c.263A>T (p.Lys88Ile)

Gene: PIGG (phosphatidylinositol glycan anchor biosynthesis class G (EMM blood group); plus strand). Cytogenetic location: 4p16.3.
Variant type: single nucleotide variant.
Coding change: c.263A>T on transcript NM_001127178.3 (MANE Select); coding-DNA position 263, A replaced by T.
Protein change: p.Lys88Ile; replaces lysine 88 with isoleucine.
Molecular consequence: missense variant. On other transcripts: 5 prime UTR variant (10), non-coding transcript variant (10).
Genome position (GRCh38, 1-based): chr4:500,504, A>T. VCF-style: chr4-500504-A-T. GRCh37 (hg19) VCF-style: chr4-494293-A-T.
Other names: c.-5A>T (NM_001289051.2, NM_001289053.2, NM_001289057.2 and 2 more transcripts); c.263A>T, p.Lys88Ile (NM_001289052.2, NM_001345989.2, NM_017733.5); c.-174A>T (NM_001289055.2); c.-625A>T (NM_001345988.2); c.-1363A>T (NM_001345990.2); c.-1225A>T (NM_001345991.2); c.-950A>T (NM_001345994.2); short protein forms K88I.
Identifiers: ClinVar variation 2068151 (VCV002068151.4), dbSNP rs2474491828, ClinGen allele CA355891284.

ClinVar aggregate classification (germline): Uncertain significance (1 of 4 stars; one submission).

Conditions:
Intellectual disability, autosomal recessive 53 (NEDHSCA). Also called: GLYCOSYLPHOSPHATIDYLINOSITOL BIOSYNTHESIS DEFECT 13; Mental retardation, autosomal recessive 53; NEURODEVELOPMENTAL DISORDER WITH OR WITHOUT HYPOTONIA, SEIZURES, AND CEREBELLAR ATROPHY. Identifiers: Orphanet 488635, MedGen C4310794, MONDO:0014832, OMIM 616917.

Allele frequency attached by ClinVar (database versions not stated): gnomAD exomes below 0.00001.
gnomAD v4.1: 1 of 1,613,432 alleles (0.000062%); highest among the groups gnomAD compares: Non-Finnish European, 0.000085%; no homozygotes.

Submission:

Labcorp Genetics (formerly Invitae), Labcorp
Classification: Uncertain significance for Intellectual disability, autosomal recessive 53. Last evaluated: 2022-01-01. Review status: criteria provided, single submitter. Criteria: Invitae Variant Classification Sherloc (09022015). Collection method: clinical testing. Allele origin: germline.
Comment: In summary, the available evidence is currently insufficient to determine the role of this variant in disease. Therefore, it has been classified as a Variant of Uncertain Significance. Algorithms developed to predict the effect of missense changes on protein structure and function (SIFT, PolyPhen-2, Align-GVGD) all suggest that this variant is likely to be tolerated. This variant has not been reported in the literature in individuals affected with PIGG-related conditions. This variant is not present in population databases (gnomAD no frequency). This sequence change replaces lysine, which is basic and polar, with isoleucine, which is neutral and non-polar, at codon 88 of the PIGG protein (p.Lys88Ile).